The following is an entry in ClinVar:

ClinVar aggregate classification (germline): Uncertain significance. Review status: criteria provided, multiple submitters, no conflicts (2 of 4 stars). 3 submissions from 3 submitters: Uncertain significance (3). Last evaluated 2025-11-10.

Conditions:
Birt-Hogg-Dube syndrome. Also called: Birt Hogg Dubé syndrome. Identifiers: Orphanet 122, MedGen C0346010, MONDO:0800444.
Hereditary cancer-predisposing syndrome. Also called: Hereditary neoplastic syndrome; Neoplastic Syndromes, Hereditary; Tumor predisposition; Hereditary Cancer Syndrome. Identifiers: Orphanet 140162, MedGen C0027672, MeSH D009386, MONDO:0015356.

Allele frequency attached by ClinVar (database versions not stated): gnomAD exomes below 0.00001; gnomAD 0.00001.

Submissions (3):

Labcorp Genetics (formerly Invitae), Labcorp
Classification: Uncertain significance for Birt-Hogg-Dube syndrome. Last evaluated: 2025-11-10. Review status: criteria provided, single submitter. Criteria: Invitae Variant Classification Sherloc (09022015). Collection method: clinical testing. Allele origin: germline.
Comment: This sequence change replaces arginine, which is basic and polar, with tryptophan, which is neutral and slightly polar, at codon 127 of the FLCN protein (p.Arg127Trp). This variant is present in population databases (no rsID available, gnomAD 0.0009%). This variant has not been reported in the literature in individuals affected with FLCN-related conditions. ClinVar contains an entry for this variant (Variation ID: 485593). Invitae Evidence Modeling of protein sequence and biophysical properties (such as structural, functional, and spatial information, amino acid conservation, physicochemical variation, residue mobility, and thermodynamic stability) indicates that this missense variant is expected to disrupt FLCN protein function with a positive predictive value of 80%. In summary, the available evidence is currently insufficient to determine the role of this variant in disease. Therefore, it has been classified as a Variant of Uncertain Significance.

Ambry Genetics
Classification: Uncertain significance for Hereditary cancer-predisposing syndrome. Last evaluated: 2025-01-25. Review status: criteria provided, single submitter. Criteria: Ambry Variant Classification Scheme 2023. Collection method: clinical testing. Allele origin: germline.
Comment: The p.R127W variant (also known as c.379C>T), located in coding exon 2 of the FLCN gene, results from a C to T substitution at nucleotide position 379. The arginine at codon 127 is replaced by tryptophan, an amino acid with dissimilar properties. This amino acid position is highly conserved in available vertebrate species. In addition, this alteration is predicted to be deleterious by in silico analysis. Since supporting evidence is limited at this time, the clinical significance of this alteration remains unclear.

GeneDx
Classification: Uncertain significance. Last evaluated: 2022-01-24. Review status: criteria provided, single submitter. Criteria: GeneDx Variant Classification Process June 2021. Collection method: clinical testing. Allele origin: germline. Affected: yes.
Comment: Not observed at significant frequency in large population cohorts (gnomAD); In silico analysis supports that this missense variant has a deleterious effect on protein structure/function; Has not been previously published as pathogenic or benign to our knowledge

NM_144997.7(FLCN):c.379C>T (p.Arg127Trp)

Gene: FLCN (folliculin; minus strand). Cytogenetic location: 17p11.2.
Variant type: single nucleotide variant.
Coding change: c.379C>T on transcript NM_144997.7 (MANE Select); coding-DNA position 379, C replaced by T.
Protein change: p.Arg127Trp; replaces arginine 127 with tryptophan.
Molecular consequence: missense variant.
Genome position (GRCh38, 1-based): chr17:17,226,193, G>A on the plus strand (C>T on the coding strand, the complement: FLCN is on the minus strand). VCF-style: chr17-17226193-G-A. GRCh37 (hg19) VCF-style: chr17-17129507-G-A.
Other names: c.379C>T (LRG_325t1); c.379C>T, p.Arg127Trp (NM_001353229.2, NM_001353230.2, NM_001353231.2 and 1 more transcripts); short protein forms R127W.
Identifiers: ClinVar variation 485593 (VCV000485593.15), dbSNP rs1274919531, ClinGen allele CA398534710.